The following is an entry in ClinVar:

ClinVar aggregate classification (germline): Uncertain significance. Review status: criteria provided, multiple submitters, no conflicts (2 of 4 stars). 2 submissions from 2 submitters: Uncertain significance (2). Last evaluated 2023-03-01.

Allele frequency attached by ClinVar (database versions not stated): gnomAD exomes 0.00001 and 0.00003; ExAC 0.00002; gnomAD 0.00006; TOPMed 0.00008; ESP Exome Variant Server 0.00023.
gnomAD v4.1: 28 of 1,613,830 alleles (0.0017%); highest among the groups gnomAD compares: African/African-American, 0.017%; no homozygotes.

Submissions (2):

Ambry Genetics
Classification: Uncertain significance. Last evaluated: 2023-03-01. Review status: criteria provided, single submitter. Criteria: Ambry Variant Classification Scheme 2023. Collection method: clinical testing. Allele origin: germline.

Labcorp Genetics (formerly Invitae), Labcorp
Classification: Uncertain significance. Last evaluated: 2022-07-25. Review status: criteria provided, single submitter. Criteria: Invitae Variant Classification Sherloc (09022015). Collection method: clinical testing. Allele origin: germline.
Comment: In summary, the available evidence is currently insufficient to determine the role of this variant in disease. Therefore, it has been classified as a Variant of Uncertain Significance. Algorithms developed to predict the effect of sequence changes on RNA splicing suggest that this variant may create or strengthen a splice site. Algorithms developed to predict the effect of missense changes on protein structure and function output the following: SIFT: "Tolerated"; PolyPhen-2: "Benign"; Align-GVGD: "Class C0". The glutamine amino acid residue is found in multiple mammalian species, which suggests that this missense change does not adversely affect protein function. This sequence change replaces arginine, which is basic and polar, with glutamine, which is neutral and polar, at codon 98 of the LAT protein (p.Arg98Gln). This variant is present in population databases (rs375713159, gnomAD 0.02%). This variant has not been reported in the literature in individuals affected with LAT-related conditions. ClinVar contains an entry for this variant (Variation ID: 1345429).

NM_001014987.2(LAT):c.293G>A (p.Arg98Gln)

Gene: LAT (linker for activation of T cells; plus strand). Cytogenetic location: 16p11.2.
Variant type: single nucleotide variant.
Coding change: c.293G>A on transcript NM_001014987.2 (MANE Select); coding-DNA position 293, G replaced by A.
Protein change: p.Arg98Gln; replaces arginine 98 with glutamine.
Molecular consequence: missense variant.
Genome position (GRCh38, 1-based): chr16:28,986,429, G>A. VCF-style: chr16-28986429-G-A. GRCh37 (hg19) VCF-style: chr16-28997750-G-A.
Other names: c.290G>A, p.Arg97Gln (NM_001014988.2); c.401G>A, p.Arg134Gln (NM_001014989.2); c.293G>A, p.Arg98Gln (NM_014387.4); c.401G>A (NM_001014989.1); short protein forms R98Q, R97Q, R134Q.
Identifiers: ClinVar variation 1345429 (VCV001345429.7), dbSNP rs375713159, ClinGen allele CA7989928.